The following is an entry in ClinVar:

NM_001184.4(ATR):c.3424A>G (p.Ser1142Gly)

Gene: ATR (ATR checkpoint kinase; minus strand). Cytogenetic location: 3q23.
Variant type: single nucleotide variant.
Coding change: c.3424A>G on transcript NM_001184.4 (MANE Select); coding-DNA position 3424, A replaced by G.
Protein change: p.Ser1142Gly; replaces serine 1142 with glycine.
Molecular consequence: missense variant.
Genome position (GRCh38, 1-based): chr3:142,542,691, T>C on the plus strand (A>G on the coding strand, the complement: ATR is on the minus strand). VCF-style: chr3-142542691-T-C. GRCh37 (hg19) VCF-style: chr3-142261533-T-C.
Other names: c.3232A>G, p.Ser1078Gly (NM_001354579.2); short protein forms S1142G, S1078G.
Identifiers: ClinVar variation 157977 (VCV000157977.36), dbSNP rs149008479, ClinGen allele CA345974.

ClinVar aggregate classification (germline): Conflicting classifications of pathogenicity. Review status: criteria provided, conflicting classifications (1 of 4 stars). 11 submissions from 10 submitters: Uncertain significance (9); Likely benign (2). Last evaluated 2026-01-19.

Conditions:
Inborn genetic diseases. Identifiers: MedGen C0950123, MeSH D030342.
Seckel syndrome 1 (SCKL1). Also called: MICROCEPHALIC PRIMORDIAL DWARFISM I. Identifiers: Orphanet 808, MedGen C4551474, MONDO:0008869, OMIM 210600.
Familial cutaneous telangiectasia and oropharyngeal predisposition cancer syndrome. Identifiers: Orphanet 313846, MedGen C3281203, MONDO:0013806, OMIM 614564.

Allele frequency attached by ClinVar (database versions not stated): gnomAD exomes 0.00059 and 0.00095; TOPMed 0.00063; ESP Exome Variant Server 0.00077; 1000 Genomes Project 0.00020; 1000 Genomes Project 30x 0.00031; gnomAD 0.00055 and 0.00058; ExAC 0.00056.
gnomAD v4.1: 1,454 of 1,613,320 alleles (0.09%); highest among the groups gnomAD compares: Non-Finnish European, 0.11%; no homozygotes.

Submissions (12):

Labcorp Genetics (formerly Invitae), Labcorp
Classification: Uncertain significance. Last evaluated: 2026-01-19. Review status: criteria provided, single submitter. Criteria: Invitae Variant Classification Sherloc (09022015). Collection method: clinical testing. Allele origin: germline.
Comment: This sequence change replaces serine, which is neutral and polar, with glycine, which is neutral and non-polar, at codon 1142 of the ATR protein (p.Ser1142Gly). This variant is present in population databases (rs149008479, gnomAD 0.09%), and has an allele count higher than expected for a pathogenic variant. This missense change has been observed in individual(s) with cancer (PMID: 15987455, 32522261). ClinVar contains an entry for this variant (Variation ID: 157977). An algorithm developed to predict the effect of missense changes on protein structure and function (PolyPhen-2) suggests that this variant is likely to be tolerated. In summary, the available evidence is currently insufficient to determine the role of this variant in disease. Therefore, it has been classified as a Variant of Uncertain Significance.

CeGaT Center for Human Genetics Tuebingen
Classification: Uncertain significance. Last evaluated: 2025-06-01. Review status: criteria provided, single submitter. Criteria: CeGaT Center For Human Genetics Tuebingen Variant Classification Criteria Version 2. Collection method: clinical testing. Allele origin: germline. Affected: yes. Observed: 3 variant alleles.
Comment: ATR: PM2

Dasa
Classification: Likely benign. Last evaluated: 2025-02-25. Review status: criteria provided, single submitter. Criteria: DASA Assertion Criteria. Collection method: clinical testing. Allele origin: germline.
Comment: NM_001184.4(ATR):c.3424A>G (p.Ser1142Gly) is a missense variant that results in the substitution of serine with glycine. Multiple computational predictions suggest no deleterious effect on the gene or gene product. Based on the available data, this variant is classified as likely benign.

Blueprint Genetics
Classification: Uncertain significance. Last evaluated: 2024-11-15. Review status: criteria provided, single submitter. Criteria: ACMG Guidelines, 2015. Collection method: clinical testing. Allele origin: germline.

Ambry Genetics
Classification: Likely benign for Inborn genetic diseases. Last evaluated: 2024-09-16. Review status: criteria provided, single submitter. Criteria: Ambry Variant Classification Scheme 2023. Collection method: clinical testing. Allele origin: germline.

Fulgent Genetics
Classification: Uncertain significance for Seckel syndrome 1; Familial cutaneous telangiectasia and oropharyngeal predisposition cancer syndrome. Last evaluated: 2024-01-08. Review status: criteria provided, single submitter. Criteria: ACMG Guidelines, 2015. Collection method: clinical testing. Allele origin: germline.

GeneDx
Classification: Uncertain significance. Last evaluated: 2024-01-08. Review status: criteria provided, single submitter. Criteria: GeneDx Variant Classification Process June 2021. Collection method: clinical testing. Allele origin: germline. Affected: yes.
Comment: In silico analysis supports that this missense variant does not alter protein structure/function; This variant is associated with the following publications: (PMID: 33257393, 32522261, 32597209, 37457227, 15987455)

Genome-Nilou Lab
Classification: Uncertain significance for Seckel syndrome 1. Last evaluated: 2023-02-08. Review status: criteria provided, single submitter. Criteria: ACMG Guidelines, 2015. Collection method: clinical testing. Allele origin: germline.

Genome-Nilou Lab
Classification: Uncertain significance for Familial cutaneous telangiectasia and oropharyngeal predisposition cancer syndrome. Last evaluated: 2023-02-08. Review status: criteria provided, single submitter. Criteria: ACMG Guidelines, 2015. Collection method: clinical testing. Allele origin: germline.

Illumina Laboratory Services, Illumina
Classification: Uncertain significance for Seckel syndrome 1. Last evaluated: 2017-04-27. Review status: criteria provided, single submitter. Criteria: ICSL Variant Classification Criteria 13 December 2019. Collection method: clinical testing. Allele origin: germline.

Genetic Services Laboratory, University of Chicago
Classification: Uncertain significance for Seckel syndrome 1. Last evaluated: 2013-10-04. Review status: criteria provided, single submitter. Criteria: ACMG Guidelines, 2007. Collection method: clinical testing. Allele origin: germline. Inheritance: Autosomal recessive inheritance.

Dr. Peter K. Rogan Lab, Western University
No classification provided (evidence only). Condition: Malignant tumor of urinary bladder. Review status: no classification provided. Collection method: in vitro. Allele origin: not applicable. Functional consequence: retained intron. Not counted in ClinVar's aggregate classification.

Literature cited by the submitters: PubMed 15987455 (cited by Labcorp Genetics (formerly Invitae), Labcorp); PubMed 32522261 (cited by Labcorp Genetics (formerly Invitae), Labcorp).